The following is an entry in ClinVar:

NM_016507.4(CDK12):c.1505A>G (p.Asp502Gly)

Gene: CDK12 (cyclin dependent kinase 12; plus strand). Cytogenetic location: 17q12.
Variant type: single nucleotide variant.
Coding change: c.1505A>G on transcript NM_016507.4 (MANE Select); coding-DNA position 1505, A replaced by G.
Protein change: p.Asp502Gly; replaces aspartic acid 502 with glycine.
Molecular consequence: missense variant.
Genome position (GRCh38, 1-based): chr17:39,471,337, A>G. VCF-style: chr17-39471337-A-G. GRCh37 (hg19) VCF-style: chr17-37627590-A-G.
Other names: c.1505A>G, p.Asp502Gly (NM_015083.4); short protein forms D502G.
Identifiers: ClinVar variation 3489336 (VCV003489336.1).
Genomic context (GRCh38, chr17:39,471,337, plus strand): 5'-AGTTGGATGAGAACTCCGAGAAGCATCTTGTTAAAGATTTGAAAGCACAGGGAACAAGAG[A>G]CTCTAAACCCATAGCACTGAAAGAGGAGATTGTTACTCCAAAGGAGACAGAAACATCAGA-3'
Protein context (NP_057591.2, residues 492-512): VKDLKAQGTR[Asp502Gly]SKPIALKEEI

ClinVar aggregate classification (germline): Uncertain significance (1 of 4 stars; one submission).

Submission:

Ambry Genetics
Classification: Uncertain significance. Last evaluated: 2024-12-02. Review status: criteria provided, single submitter. Criteria: Ambry Variant Classification Scheme 2023. Collection method: clinical testing. Allele origin: germline.
Comment: The p.D502G variant (also known as c.1505A>G), located in coding exon 2 of the CDK12 gene, results from an A to G substitution at nucleotide position 1505. The aspartic acid at codon 502 is replaced by glycine, an amino acid with similar properties. This amino acid position is conserved. In addition, the in silico prediction for this alteration is inconclusive. Based on the available evidence, the clinical significance of this variant remains unclear.